The following is an entry in ClinVar:

ClinVar aggregate classification (germline): Conflicting classifications of pathogenicity. Review status: criteria provided, conflicting classifications (1 of 4 stars). 8 submissions from 8 submitters: Uncertain significance (1); Benign (1); Likely benign (6). Last evaluated 2026-01-26.

Conditions:
Inborn genetic diseases. Identifiers: MedGen C0950123, MeSH D030342.
Progressive sclerosing poliodystrophy (MTDPS4A). Also called: Alpers Syndrome; ALPERS DIFFUSE DEGENERATION OF CEREBRAL GRAY MATTER WITH HEPATIC CIRRHOSIS; Alpers-Huttenlocher Syndrome; Mitochondrial DNA depletion syndrome 4A (Alpers type); Mitochondrial DNA Depletion Syndrome 4A; Alpers-Huttenlocher Syndrome (AHS). Identifiers: Orphanet 726, MedGen C0205710, MONDO:0008758, OMIM 203700.

Allele frequency attached by ClinVar (database versions not stated): ExAC 0.00005; gnomAD exomes 0.00006; TOPMed 0.00009; ESP Exome Variant Server 0.00015.
gnomAD v4.1: 107 of 1,614,010 alleles (0.0066%); highest among the groups gnomAD compares: Middle Eastern, 0.049%; no homozygotes.

Submissions (8):

Labcorp Genetics (formerly Invitae), Labcorp
Classification: Likely benign for Progressive sclerosing poliodystrophy. Last evaluated: 2026-01-26. Review status: criteria provided, single submitter. Criteria: Invitae Variant Classification Sherloc (09022015). Collection method: clinical testing. Allele origin: germline.

CeGaT Center for Human Genetics Tuebingen
Classification: Likely benign. Last evaluated: 2025-02-01. Review status: criteria provided, single submitter. Criteria: CeGaT Center For Human Genetics Tuebingen Variant Classification Criteria Version 2. Collection method: clinical testing. Allele origin: germline. Affected: yes. Observed: 3 variant alleles.
Comment: POLG: BP4, BP7

Blueprint Genetics
Classification: Likely benign. Last evaluated: 2024-11-22. Review status: criteria provided, single submitter. Criteria: ACMG Guidelines, 2015. Collection method: clinical testing. Allele origin: germline.

Athena Diagnostics
Classification: Likely benign. Last evaluated: 2024-01-26. Review status: criteria provided, single submitter. Criteria: Athena Diagnostics Criteria. Collection method: clinical testing. Allele origin: unknown.

Ambry Genetics
Classification: Likely benign for Inborn genetic diseases. Last evaluated: 2018-10-08. Review status: criteria provided, single submitter. Criteria: Ambry Variant Classification Scheme 2023. Collection method: clinical testing. Allele origin: germline.

Wong Mito Lab, Molecular and Human Genetics, Baylor College of Medicine
Classification: Likely benign for Progressive sclerosing poliodystrophy. Last evaluated: 2018-10-01. Review status: criteria provided, single submitter. Criteria: ACMG Guidelines, 2015. Collection method: clinical testing. Allele origin: germline.
Comment: The NM_002693.2:c.3216C>G (NP_002684.1:p.Thr1072=) [GRCH38: NC_000015.10:g.89318988G>C] variant in POLG gene is interpretated to be a Likely Benign based on ACMG guidelines (PMID: 25741868). This variant meets the following evidence codes reported in the ACMG-guideline. BS1:The minor allele frequency of this allele is high for Mitochondrial DNA depletion syndrome 4A (Alpers type). BP4:Computational evidence/predictors indicate no impact on the POLG structure, function, or protein-protein interaction. BP7:The variant is silent with non predicted splice impact. Based on the evidence criteria codes applied, the variant is suggested to be Likely Benign.

Eurofins Ntd Llc (ga)
Classification: Uncertain significance. Last evaluated: 2017-11-01. Review status: criteria provided, single submitter. Criteria: EGL Classification Definitions 2015. Collection method: clinical testing. Allele origin: germline. Observed: 4 variant alleles, 4 heterozygotes.

GeneDx
Classification: Benign. Last evaluated: 2013-10-18. Review status: criteria provided, single submitter. Criteria: GeneDx Variant Classification (06012015). Collection method: clinical testing. Allele origin: germline. Affected: yes.
Comment: This variant is considered likely benign or benign based on one or more of the following criteria: it is a conservative change, it occurs at a poorly conserved position in the protein, it is predicted to be benign by multiple in silico algorithms, and/or has population frequency not consistent with disease.

NM_002693.3(POLG):c.3216C>G (p.Thr1072=)

Gene: POLG (DNA polymerase gamma, catalytic subunit; minus strand). Cytogenetic location: 15q26.1.
Variant type: single nucleotide variant.
Coding change: c.3216C>G on transcript NM_002693.3 (MANE Select); coding-DNA position 3216, C replaced by G.
Protein change: p.Thr1072=; no amino-acid change (threonine 1072 retained).
Molecular consequence: synonymous variant.
Genome position (GRCh38, 1-based): chr15:89,318,988, G>C on the plus strand (C>G on the coding strand, the complement: POLG is on the minus strand). VCF-style: chr15-89318988-G-C. GRCh37 (hg19) VCF-style: chr15-89862219-G-C.
Other names: p.T1072T:ACC>ACG; c.3216C>G, p.Thr1072= (NM_001126131.2).
Identifiers: ClinVar variation 138757 (VCV000138757.61), dbSNP rs146936870, ClinGen allele CA232561.